The following is an entry in ClinVar:

NM_001105244.2(PTPRM):c.3729C>T (p.Pro1243=)

Gene: PTPRM (protein tyrosine phosphatase receptor type M; plus strand). Cytogenetic location: 18p11.23.
Variant type: single nucleotide variant.
Coding change: c.3729C>T on transcript NM_001105244.2 (MANE Select); coding-DNA position 3729, C replaced by T.
Protein change: p.Pro1243=; no amino-acid change (proline 1243 retained).
Molecular consequence: synonymous variant.
Genome position (GRCh38, 1-based): chr18:8,379,283, C>T. VCF-style: chr18-8379283-C-T. GRCh37 (hg19) VCF-style: chr18-8379281-C-T.
Other names: c.3051C>T, p.Pro1017= (NM_001378142.1); c.3090C>T, p.Pro1030= (NM_001378143.1); c.3126C>T, p.Pro1042= (NM_001378144.1); c.3165C>T, p.Pro1055= (NM_001378145.1); c.3141C>T, p.Pro1047= (NM_001378146.1); c.3216C>T, p.Pro1072= (NM_001378147.1); c.3690C>T, p.Pro1230= (NM_002845.4).
Identifiers: ClinVar variation 3043687 (VCV003043687.2), dbSNP rs201312634, ClinGen allele CA8884835.

ClinVar aggregate classification (germline): Likely benign (0 of 4 stars; one submission).

Conditions:
PTPRM-related disorder. Also called: PTPRM-related condition.

Allele frequency attached by ClinVar (database versions not stated): 1000 Genomes Project 30x 0.00016; ExAC 0.00017; 1000 Genomes Project 0.00020; ESP Exome Variant Server 0.00023; gnomAD exomes 0.00023; gnomAD 0.00027; TOPMed 0.00032.
gnomAD v4.1: 371 of 1,614,128 alleles (0.023%); highest among the groups gnomAD compares: Admixed American, 0.032%; no homozygotes.

Submission:

PreventionGenetics, part of Exact Sciences
Classification: Likely benign for PTPRM-related condition. Last evaluated: 2019-07-08. Review status: no assertion criteria provided. Collection method: clinical testing. Allele origin: germline.
Comment: This variant is classified as likely benign based on ACMG/AMP sequence variant interpretation guidelines (Richards et al. 2015 PMID: 25741868, with internal and published modifications).